The following is an entry in ClinVar:

NM_053025.4(MYLK):c.322G>A (p.Ala108Thr)

Gene: MYLK (myosin light chain kinase; minus strand). Cytogenetic location: 3q21.1.
Variant type: single nucleotide variant.
Coding change: c.322G>A on transcript NM_053025.4 (MANE Select); coding-DNA position 322, G replaced by A.
Protein change: p.Ala108Thr; replaces alanine 108 with threonine.
Molecular consequence: missense variant. On other transcripts: intron variant (1).
Genome position (GRCh38, 1-based): chr3:123,752,382, C>T on the plus strand (G>A on the coding strand, the complement: MYLK is on the minus strand). VCF-style: chr3-123752382-C-T. GRCh37 (hg19) VCF-style: chr3-123471229-C-T.
Other names: c.322G>A, p.Ala108Thr (NM_053026.4, NM_053027.4, NM_053028.4); c.-155-12381G>A (NM_001321309.2); short protein forms A108T.
Identifiers: ClinVar variation 5025207 (VCV005025207.1).

ClinVar aggregate classification (germline): Uncertain significance (1 of 4 stars; one submission).

Conditions:
Familial thoracic aortic aneurysm and aortic dissection (TAAD). Also called: Thoracic aortic aneurysms and dissections. Identifiers: Orphanet 91387, MedGen C4707243, MONDO:0019625.

gnomAD v4.1: 2 of 1,614,182 alleles (0.00012%); highest among the groups gnomAD compares: Admixed American, 0.0033%; no homozygotes.

Submission:

Ambry Genetics
Classification: Uncertain significance for Familial thoracic aortic aneurysm and aortic dissection. Last evaluated: 2026-08-10. Review status: criteria provided, single submitter. Criteria: Ambry Variant Classification Scheme 2023. Collection method: clinical testing. Allele origin: germline.
Comment: The p.A108T variant (also known as c.322G>A), located in coding exon 2 of the MYLK gene, results from a G to A substitution at nucleotide position 322. The alanine at codon 108 is replaced by threonine, an amino acid with similar properties. This amino acid position is conserved. In addition, the in silico prediction for this alteration is inconclusive. Based on the available evidence, the clinical significance of this variant remains unclear.